The following is an entry in ClinVar:

NM_174934.4(SCN4B):c.183C>G (p.Phe61Leu)

Gene: SCN4B (sodium voltage-gated channel beta subunit 4; minus strand). Cytogenetic location: 11q23.3.
Variant type: single nucleotide variant.
Coding change: c.183C>G on transcript NM_174934.4 (MANE Select); coding-DNA position 183, C replaced by G.
Protein change: p.Phe61Leu; replaces phenylalanine 61 with leucine.
Molecular consequence: missense variant. On other transcripts: 5 prime UTR variant (1), non-coding transcript variant (1), intron variant (1).
Genome position (GRCh38, 1-based): chr11:118,145,108, G>C on the plus strand (C>G on the coding strand, the complement: SCN4B is on the minus strand). VCF-style: chr11-118145108-G-C. GRCh37 (hg19) VCF-style: chr11-118015823-G-C.
Other names: c.-148C>G (NM_001142349.2); c.62-3772C>G (NM_001142348.2); short protein forms F61L.
Identifiers: ClinVar variation 2562708 (VCV002562708.2), dbSNP rs761539341, ClinGen allele CA6300282.

ClinVar aggregate classification (germline): Uncertain significance (1 of 4 stars; one submission).

Conditions:
Cardiovascular phenotype. Identifiers: MedGen CN230736.

Allele frequency attached by ClinVar (database versions not stated): ExAC 0.00001.

Submission:

Ambry Genetics
Classification: Uncertain significance for Cardiovascular phenotype. Last evaluated: 2023-03-16. Review status: criteria provided, single submitter. Criteria: Ambry Variant Classification Scheme 2023. Collection method: clinical testing. Allele origin: germline.
Comment: The p.F61L variant (also known as c.183C>G), located in coding exon 2 of the SCN4B gene, results from a C to G substitution at nucleotide position 183. The phenylalanine at codon 61 is replaced by leucine, an amino acid with highly similar properties. This amino acid position is conserved. In addition, the in silico prediction for this alteration is inconclusive. Since supporting evidence is limited at this time, the clinical significance of this alteration remains unclear.